The following is an entry in ClinVar:

ClinVar aggregate classification (germline): Uncertain significance (1 of 4 stars; one submission).

Conditions:
Hereditary cancer-predisposing syndrome. Also called: Hereditary Cancer Syndrome; Hereditary neoplastic syndrome; Neoplastic Syndromes, Hereditary; Tumor predisposition. Identifiers: Orphanet 140162, MedGen C0027672, MeSH D009386, MONDO:0015356.

Submission:

Ambry Genetics
Classification: Uncertain significance for Hereditary cancer-predisposing syndrome. Last evaluated: 2021-06-09. Review status: criteria provided, single submitter. Criteria: Ambry Variant Classification Scheme 2023. Collection method: clinical testing. Allele origin: germline.
Comment: The p.P139Q variant (also known as c.416C>A), located in coding exon 3 of the SMARCA4 gene, results from a C to A substitution at nucleotide position 416. The proline at codon 139 is replaced by glutamine, an amino acid with similar properties. Missense and in-frame variants in SMARCA4 are known to cause neurodevelopmental disorders; however, such associations with rhabdoid tumor predisposition syndrome including small cell carcinoma of the ovary-hypercalcemic type (SCCOHT) are exceedingly rare (Kosho T et al. Am J Med Genet C Semin Med Genet. 2014 Sep;166C(3):262-75; Jelinic P et al. Nat Genet. 2014 May;46(5):424-6). This amino acid position is highly conserved in available vertebrate species. In addition, the in silico prediction for this alteration is inconclusive. Based on the supporting evidence, the association of this alteration with Coffin-Siris syndrome is unknown; however, the association of this alteration with rhabdoid tumor predisposition syndrome is unlikely.

NM_003072.5(SMARCA4):c.416C>A (p.Pro139Gln)

Gene: SMARCA4 (SWI/SNF related BAF chromatin remodeling complex subunit ATPase 4; plus strand). Cytogenetic location: 19p13.2.
Variant type: single nucleotide variant.
Coding change: c.416C>A on transcript NM_003072.5 (MANE Select); coding-DNA position 416, C replaced by A.
Protein change: p.Pro139Gln; replaces proline 139 with glutamine.
Molecular consequence: missense variant. On other transcripts: non-coding transcript variant (1).
Genome position (GRCh38, 1-based): chr19:10,986,249, C>A. VCF-style: chr19-10986249-C-A. GRCh37 (hg19) VCF-style: chr19-11096925-C-A.
Other names: c.416C>A, p.Pro139Gln (NM_001128844.3, NM_001128845.2, NM_001128846.2 and 6 more transcripts); short protein forms P139Q.
Identifiers: ClinVar variation 1738398 (VCV001738398.2), dbSNP rs762023872, ClinGen allele CA404055876.